The following is an entry in ClinVar:

ClinVar aggregate classification (germline): Pathogenic (1 of 4 stars; one submission).

Conditions:
Familial focal epilepsy with variable foci (FPEVF). Identifiers: Orphanet 98820, MedGen C1858477, MONDO:0020310.

Submission:

Labcorp Genetics (formerly Invitae), Labcorp
Classification: Pathogenic for Familial focal epilepsy with variable foci. Last evaluated: 2020-12-02. Review status: criteria provided, single submitter. Criteria: Invitae Variant Classification Sherloc (09022015). Collection method: clinical testing. Allele origin: germline.
Comment: For these reasons, this variant has been classified as Pathogenic. This variant has not been reported in the literature in individuals with DEPDC5-related conditions. This variant is not present in population databases (ExAC no frequency). This sequence change creates a premature translational stop signal (p.Phe467Leufs*50) in the DEPDC5 gene. It is expected to result in an absent or disrupted protein product. Loss-of-function variants in DEPDC5 are known to be pathogenic (PMID: 23542697, 23542701).

Literature cited by the submitters: PubMed 23542697; PubMed 23542701.

NM_001242896.3(DEPDC5):c.1401del (p.Phe467fs)

Gene: DEPDC5 (DEP domain containing 5, GATOR1 subcomplex subunit; plus strand). Cytogenetic location: 22q12.3.
Variant type: Deletion.
Coding change: c.1401del on transcript NM_001242896.3 (MANE Select); coding-DNA position 1401, one base deleted (C; older notation c.1401delC).
Protein change: p.Phe467fs; shifts the reading frame from phenylalanine 467.
Molecular consequence: frameshift variant. On other transcripts: non-coding transcript variant (5).
Genome position (GRCh38, 1-based): chr22:31,810,597, C deleted. VCF-style (leftmost placement, unchanged base first): chr22-31810596-TC-T. GRCh37 (hg19) VCF-style: chr22-32206582-TC-T.
Other names: c.1401del, p.Phe467fs (NM_001007188.4, NM_001136029.4, NM_001242897.2 and 7 more transcripts); c.1317del, p.Phe439fs (NM_001369901.1, NM_001369902.1); short protein forms F439fs, F467fs.
Identifiers: ClinVar variation 1451760 (VCV001451760.6), dbSNP rs2148707724, ClinGen allele CA2573158160.
Genomic context (GRCh38, chr22:31,810,596, plus strand): 5'-AAGAATCTGAGAACGCCCTTCCCATCCAAGTAGATTATGACGCCTATGACGCTCAAGTGT[TC>T]AGGCTGCCCGGCCCATCCCGGGCCCAGTGCCTCACCACCTGCAGGTTTTCTGCCAGATTC-3'